The following is an entry in ClinVar:

NM_001008388.5(CISD2):c.298A>G (p.Arg100Gly)

Genes: CISD2 (CDGSH iron sulfur domain 2; plus strand), SLC9B1 (solute carrier family 9 member B1; minus strand). Cytogenetic location: 4q24.
Variant type: single nucleotide variant.
Coding change: c.298A>G on transcript NM_001008388.5 (MANE Select); coding-DNA position 298, A replaced by G.
Protein change: p.Arg100Gly; replaces arginine 100 with glycine.
Molecular consequence: missense variant. On other transcripts: intron variant (1).
Genome position (GRCh38, 1-based): chr4:102,885,410, A>G. VCF-style: chr4-102885410-A-G. GRCh37 (hg19) VCF-style: chr4-103806567-A-G.
Other names: c.1333-82T>C (NM_001100874.3); short protein forms R100G.
Identifiers: ClinVar variation 1405133 (VCV001405133.9), dbSNP rs2110400488, ClinGen allele CA357763106.

ClinVar aggregate classification (germline): Uncertain significance (1 of 4 stars; one submission).

Submission:

Labcorp Genetics (formerly Invitae), Labcorp
Classification: Uncertain significance. Last evaluated: 2021-07-12. Review status: criteria provided, single submitter. Criteria: Invitae Variant Classification Sherloc (09022015). Collection method: clinical testing. Allele origin: germline.
Comment: Algorithms developed to predict the effect of missense changes on protein structure and function (SIFT, PolyPhen-2, Align-GVGD) all suggest that this variant is likely to be disruptive. In summary, the available evidence is currently insufficient to determine the role of this variant in disease. Therefore, it has been classified as a Variant of Uncertain Significance. This variant has not been reported in the literature in individuals affected with CISD2-related conditions. This sequence change replaces arginine with glycine at codon 100 of the CISD2 protein (p.Arg100Gly). The arginine residue is highly conserved and there is a moderate physicochemical difference between arginine and glycine. This variant is not present in population databases (ExAC no frequency).